The following is an entry in ClinVar:

ClinVar aggregate classification (germline): Conflicting classifications of pathogenicity. Review status: criteria provided, conflicting classifications (1 of 4 stars). 4 submissions from 4 submitters: Uncertain significance (3); Likely benign (1). Last evaluated 2025-12-14.

Conditions:
Inborn genetic diseases. Identifiers: MedGen C0950123, MeSH D030342.

Allele frequency attached by ClinVar (database versions not stated): gnomAD 0.00005; gnomAD exomes 0.00010; ExAC 0.00015.
gnomAD v4.1: 74 of 1,613,618 alleles (0.0046%); highest among the groups gnomAD compares: Non-Finnish European, 0.0054%; no homozygotes.

Submissions (4):

Labcorp Genetics (formerly Invitae), Labcorp
Classification: Uncertain significance. Last evaluated: 2025-12-14. Review status: criteria provided, single submitter. Criteria: Invitae Variant Classification Sherloc (09022015). Collection method: clinical testing. Allele origin: germline.
Comment: This sequence change replaces asparagine, which is neutral and polar, with serine, which is neutral and polar, at codon 441 of the TNFRSF11A protein (p.Asn441Ser). This variant is present in population databases (rs761034128, gnomAD 0.02%). This variant has not been reported in the literature in individuals affected with TNFRSF11A-related conditions. ClinVar contains an entry for this variant (Variation ID: 1397959). An algorithm developed to predict the effect of missense changes on protein structure and function outputs the following: PolyPhen-2: "Benign". The serine amino acid residue is found in multiple mammalian species, which suggests that this missense change does not adversely affect protein function. In summary, the available evidence is currently insufficient to determine the role of this variant in disease. Therefore, it has been classified as a Variant of Uncertain Significance.

Ambry Genetics
Classification: Likely benign for Inborn genetic diseases. Last evaluated: 2023-12-07. Review status: criteria provided, single submitter. Criteria: Ambry Variant Classification Scheme 2023. Collection method: clinical testing. Allele origin: germline.

Blueprint Genetics
Classification: Uncertain significance. Last evaluated: 2019-08-13. Review status: criteria provided, single submitter. Criteria: ACMG Guidelines, 2015. Collection method: clinical testing. Allele origin: germline.

Breakthrough Genomics
Classification: Uncertain significance. Review status: criteria provided, single submitter. Criteria: ACMG Guidelines, 2015. Collection method: not provided. Allele origin: germline. Inheritance: Autosomal recessive inheritance. Affected: yes.

NM_003839.4(TNFRSF11A):c.1322A>G (p.Asn441Ser)

Gene: TNFRSF11A (TNF receptor superfamily member 11a; plus strand). Cytogenetic location: 18q21.33.
Variant type: single nucleotide variant.
Coding change: c.1322A>G on transcript NM_003839.4 (MANE Select); coding-DNA position 1322, A replaced by G.
Protein change: p.Asn441Ser; replaces asparagine 441 with serine.
Molecular consequence: missense variant. On other transcripts: intron variant (3).
Genome position (GRCh38, 1-based): chr18:62,369,239, A>G. VCF-style: chr18-62369239-A-G. GRCh37 (hg19) VCF-style: chr18-60036472-A-G.
Other names: c.1280A>G, p.Asn427Ser (NM_001278268.2); c.783+2479A>G (NM_001270949.2); c.730+7446A>G (NM_001270950.2); c.616+9190A>G (NM_001270951.2); c.1322A>G (NM_003839.2); short protein forms N427S, N441S.
Identifiers: ClinVar variation 1397959 (VCV001397959.11), dbSNP rs761034128, ClinGen allele CA8983948.